The following is an entry in ClinVar:

NM_032866.5(CGNL1):c.3401T>C (p.Ile1134Thr)

Gene: CGNL1 (cingulin like 1; plus strand). Cytogenetic location: 15q21.3.
Variant type: single nucleotide variant.
Coding change: c.3401T>C on transcript NM_032866.5 (MANE Select); coding-DNA position 3401, T replaced by C.
Protein change: p.Ile1134Thr; replaces isoleucine 1134 with threonine.
Molecular consequence: missense variant.
Genome position (GRCh38, 1-based): chr15:57,544,498, T>C. VCF-style: chr15-57544498-T-C. GRCh37 (hg19) VCF-style: chr15-57836696-T-C.
Other names: c.3401T>C, p.Ile1134Thr (NM_001252335.2); c.3401T>C (NM_032866.3); short protein forms I1134T.
Identifiers: ClinVar variation 3048587 (VCV003048587.3), dbSNP rs145843105, ClinGen allele CA7582563.
Genomic context (GRCh38, chr15:57,544,498, plus strand): 5'-ACATAGCCCCTCACAGTCTCCCTGTGTTGTTCCAGAACAAGGACTTAAAGAGCCGGATTA[T>C]CCACCTGGAAGGTTCCTACAGGTCCAGCAAAGAGGGGCTGGTTGTGCAGATGGAGGCCAG-3'
Protein context (NP_116255.2, residues 1124-1144): RQNKDLKSRI[Ile1134Thr]HLEGSYRSSK

ClinVar aggregate classification (germline): Uncertain significance. Review status: criteria provided, single submitter (1 of 4 stars). 2 submissions from 2 submitters: Uncertain significance (1). 1 of the submissions does not count toward it. Last evaluated 2024-05-28.

Conditions:
CGNL1-related disorder. Also called: CGNL1-related condition.

Allele frequency attached by ClinVar (database versions not stated): gnomAD exomes 0.00005; ExAC 0.00018; gnomAD 0.00058; ESP Exome Variant Server 0.00062; TOPMed 0.00076; 1000 Genomes Project 30x 0.00094; 1000 Genomes Project 0.00120.
gnomAD v4.1: 175 of 1,613,998 alleles (0.011%); highest among the groups gnomAD compares: African/African-American, 0.19%; no homozygotes.

Submissions (2):

Ambry Genetics
Classification: Uncertain significance. Last evaluated: 2024-05-28. Review status: criteria provided, single submitter. Criteria: Ambry Variant Classification Scheme 2023. Collection method: clinical testing. Allele origin: germline.

PreventionGenetics, part of Exact Sciences
Classification: Likely benign for CGNL1-related condition. Last evaluated: 2022-11-21. Review status: no assertion criteria provided. Collection method: clinical testing. Allele origin: germline. Not counted in ClinVar's aggregate classification.
Comment: This variant is classified as likely benign based on ACMG/AMP sequence variant interpretation guidelines (Richards et al. 2015 PMID: 25741868, with internal and published modifications).